The following is an entry in ClinVar:

NM_005026.5(PIK3CD):c.551G>A (p.Arg184Gln)

Gene: PIK3CD (phosphatidylinositol-4,5-bisphosphate 3-kinase catalytic subunit delta; plus strand). Cytogenetic location: 1p36.22.
Variant type: single nucleotide variant.
Coding change: c.551G>A on transcript NM_005026.5 (MANE Select); coding-DNA position 551, G replaced by A.
Protein change: p.Arg184Gln; replaces arginine 184 with glutamine.
Molecular consequence: missense variant.
Genome position (GRCh38, 1-based): chr1:9,716,029, G>A. VCF-style: chr1-9716029-G-A. GRCh37 (hg19) VCF-style: chr1-9776087-G-A.
Other names: c.551G>A, p.Arg184Gln (NM_001350234.2, NM_001350235.1); short protein forms R184Q.
Identifiers: ClinVar variation 1964844 (VCV001964844.5), dbSNP rs755725121, ClinGen allele CA576898.

ClinVar aggregate classification (germline): Uncertain significance (1 of 4 stars; one submission).

Conditions:
Immunodeficiency 14 (IMD14A). Also called: Activated PI3K Delta Syndrome Type 1 (APDS1); p110-DELTA-ACTIVATING MUTATION CAUSING SENESCENT T CELLS, LYMPHADENOPATHY, AND IMMUNODEFICIENCY; IMMUNODEFICIENCY 14A WITH LYMPHOPROLIFERATION, AUTOSOMAL DOMINANT; ACTIVATED PI3K-DELTA SYNDROME 1. Identifiers: Orphanet 397596, Orphanet 693661, MedGen C5907821, MONDO:0014222, OMIM 615513.

Allele frequency attached by ClinVar (database versions not stated): ExAC 0.00002; gnomAD 0.00001; gnomAD exomes 0.00001.
gnomAD v4.1: 13 of 1,612,542 alleles (0.00081%); highest among the groups gnomAD compares: Admixed American, 0.0067%; no homozygotes.

Submission:

Labcorp Genetics (formerly Invitae), Labcorp
Classification: Uncertain significance for Activated PI3K-delta syndrome. Last evaluated: 2022-10-20. Review status: criteria provided, single submitter. Criteria: Invitae Variant Classification Sherloc (09022015). Collection method: clinical testing. Allele origin: germline.
Comment: This sequence change replaces arginine, which is basic and polar, with glutamine, which is neutral and polar, at codon 184 of the PIK3CD protein (p.Arg184Gln). This variant is present in population databases (rs755725121, gnomAD 0.009%). This variant has not been reported in the literature in individuals affected with PIK3CD-related conditions. Advanced modeling of protein sequence and biophysical properties (such as structural, functional, and spatial information, amino acid conservation, physicochemical variation, residue mobility, and thermodynamic stability) performed at Invitae indicates that this missense variant is not expected to disrupt PIK3CD protein function. In summary, the available evidence is currently insufficient to determine the role of this variant in disease. Therefore, it has been classified as a Variant of Uncertain Significance.